The following is an entry in ClinVar:

NM_000130.5(F5):c.4083dup (p.Ser1362fs)

Gene: F5 (coagulation factor V; minus strand). Cytogenetic location: 1q24.2.
Variant type: Duplication.
Coding change: c.4083dup on transcript NM_000130.5 (MANE Select); coding-DNA position 4083, one base duplicated (C; older notation c.4083dupC).
Protein change: p.Ser1362fs; shifts the reading frame from serine 1362.
Molecular consequence: frameshift variant.
Genome position (GRCh38, 1-based): chr1:169,541,007, G duplicated on the plus strand (C on the coding strand, the reverse complement: F5 is on the minus strand); the first of 4 consecutive G bases (chr1:169,541,007-169,541,010); duplicating any one gives the same sequence. VCF-style (leftmost placement, unchanged base first): chr1-169541006-T-TG. GRCh37 (hg19) VCF-style: chr1-169510244-T-TG.
Other names: short protein forms S1362fs.
Identifiers: ClinVar variation 2845595 (VCV002845595.3), dbSNP rs2526389374, ClinGen allele CA2739275391.

ClinVar aggregate classification (germline): Pathogenic (1 of 4 stars; one submission).

Conditions:
Congenital factor V deficiency. Also called: OWREN PARAHEMOPHILIA; PARAHEMOPHILIA; Hereditary factor V deficiency disease; LABILE FACTOR DEFICIENCY. Identifiers: Orphanet 326, MedGen C0015499, MONDO:0009210, OMIM 227400.

Submission:

Labcorp Genetics (formerly Invitae), Labcorp
Classification: Pathogenic for Congenital factor V deficiency. Last evaluated: 2023-03-21. Review status: criteria provided, single submitter. Criteria: Invitae Variant Classification Sherloc (09022015). Collection method: clinical testing. Allele origin: germline.
Comment: For these reasons, this variant has been classified as Pathogenic. This variant has not been reported in the literature in individuals affected with F5-related conditions. This variant is not present in population databases (gnomAD no frequency). This sequence change creates a premature translational stop signal (p.Ser1362Glnfs*29) in the F5 gene. It is expected to result in an absent or disrupted protein product. Loss-of-function variants in F5 are known to be pathogenic (PMID: 30924984).

Literature cited by the submitters: PubMed 30924984.